The following is an entry in ClinVar:

NM_001378454.1(ALMS1):c.4820A>G (p.Lys1607Arg)

Gene: ALMS1 (ALMS1 centrosome and basal body associated protein; plus strand). Cytogenetic location: 2p13.1.
Variant type: single nucleotide variant.
Coding change: c.4820A>G on transcript NM_001378454.1 (MANE Select); coding-DNA position 4820, A replaced by G.
Protein change: p.Lys1607Arg; replaces lysine 1607 with arginine.
Molecular consequence: missense variant.
Genome position (GRCh38, 1-based): chr2:73,451,347, A>G. VCF-style: chr2-73451347-A-G. GRCh37 (hg19) VCF-style: chr2-73678474-A-G.
Other names: c.4823A>G, p.Lys1608Arg (NM_015120.4); short protein forms K1607R, K1608R.
Identifiers: ClinVar variation 2449586 (VCV002449586.2), dbSNP rs2466102925, ClinGen allele CA347279331.
Genomic context (GRCh38, chr2:73,451,347, plus strand): 5'-ATGGTCATCTACCTGAAGAGGCTCTGAAAGTTTCCATTGTTTCTGGACCTACTGAAAAAA[A>G]GACTGACATACCAGCAGGACCTTTAGGTTCCAGTGCACTTGGAGAGAAGCCCATTACTTT-3'
Protein context (NP_001365383.1, residues 1597-1617): VSIVSGPTEK[Lys1607Arg]TDIPAGPLGS

ClinVar aggregate classification (germline): Uncertain significance (1 of 4 stars; one submission).

Conditions:
Cardiovascular phenotype. Identifiers: MedGen CN230736.

Submission:

Ambry Genetics
Classification: Uncertain significance for Cardiovascular phenotype. Last evaluated: 2022-12-08. Review status: criteria provided, single submitter. Criteria: Ambry Variant Classification Scheme 2023. Collection method: clinical testing. Allele origin: germline.
Comment: The p.K1608R variant (also known as c.4823A>G), located in coding exon 8 of the ALMS1 gene, results from an A to G substitution at nucleotide position 4823. The lysine at codon 1608 is replaced by arginine, an amino acid with highly similar properties. This amino acid position is highly conserved in available vertebrate species. In addition, this alteration is predicted to be tolerated by in silico analysis. Since supporting evidence is limited at this time, the clinical significance of this alteration remains unclear.